The following is an entry in ClinVar:

ClinVar aggregate classification (germline): Pathogenic (1 of 4 stars; one submission).

Submission:

Labcorp Genetics (formerly Invitae), Labcorp
Classification: Pathogenic. Last evaluated: 2025-02-19. Review status: criteria provided, single submitter. Criteria: Invitae Variant Classification Sherloc (09022015). Collection method: clinical testing. Allele origin: germline.
Comment: This sequence change creates a premature translational stop signal (p.Glu4191*) in the HSPG2 gene. It is expected to result in an absent or disrupted protein product. Loss-of-function variants in HSPG2 are known to be pathogenic (PMID: 11279527, 16927315, 20542149, 23836246). This variant is not present in population databases (gnomAD no frequency). This variant has not been reported in the literature in individuals affected with HSPG2-related conditions. Algorithms developed to predict the effect of sequence changes on RNA splicing suggest that this variant may disrupt the consensus splice site. For these reasons, this variant has been classified as Pathogenic.

Literature cited by the submitters: PubMed 11279527; PubMed 16927315; PubMed 20542149; PubMed 23836246.

NM_005529.7(HSPG2):c.12571G>T (p.Glu4191Ter)

Gene: HSPG2 (heparan sulfate proteoglycan 2; minus strand). Cytogenetic location: 1p36.12.
Variant type: single nucleotide variant.
Coding change: c.12571G>T on transcript NM_005529.7 (MANE Select); coding-DNA position 12571, G replaced by T.
Protein change: p.Glu4191Ter; replaces glutamic acid 4191 with a stop codon.
Molecular consequence: nonsense.
Genome position (GRCh38, 1-based): chr1:21,827,881, C>A on the plus strand (G>T on the coding strand, the complement: HSPG2 is on the minus strand). VCF-style: chr1-21827881-C-A. GRCh37 (hg19) VCF-style: chr1-22154374-C-A.
Other names: c.12574G>T, p.Glu4192Ter (NM_001291860.2); short protein forms E4192*, E4191*.
Identifiers: ClinVar variation 4766304 (VCV004766304.1).
Genomic context (GRCh38, chr1:21,827,881, plus strand): 5'-AGCTGAGCTGAAGCTGGGGAGGAGGCCATGGCAAGTACTCACCATTGCCCCCGCTGCCTT[C>A]AAGATGCCAGTCGGACTCTGCTATGCCATGTCCAGAGCCTATGGAGAAGGGCAGGGTCCA-3'